The following is an entry in ClinVar:

ClinVar aggregate classification (germline): Uncertain significance (1 of 4 stars; one submission).

Conditions:
UDPglucose-4-epimerase deficiency. Also called: UDPglucose 4-Epimerase Deficiency Disease; Epimerase Deficiency Galactosemia; UDP-GALACTOSE-4-EPIMERASE DEFICIENCY; Galactose epimerase deficiency; GALACTOSEMIA III; GALE DEFICIENCY. Identifiers: Orphanet 352, Orphanet 79238, MedGen C0751161, MONDO:0009257, OMIM 230350.

Allele frequency attached by ClinVar (database versions not stated): gnomAD exomes below 0.00001; TOPMed below 0.00001.
gnomAD v4.1: 1 of 1,610,344 alleles (0.000062%); highest among the groups gnomAD compares: African/African-American, 0.0013%; no homozygotes.

Submission:

Labcorp Genetics (formerly Invitae), Labcorp
Classification: Uncertain significance for UDPglucose-4-epimerase deficiency. Last evaluated: 2019-08-30. Review status: criteria provided, single submitter. Criteria: Invitae Variant Classification Sherloc (09022015). Collection method: clinical testing. Allele origin: germline.
Comment: In summary, the available evidence is currently insufficient to determine the role of this variant in disease. Therefore, it has been classified as a Variant of Uncertain Significance. This sequence change replaces valine with alanine at codon 238 of the GALE protein (p.Val238Ala). The valine residue is highly conserved and there is a small physicochemical difference between valine and alanine. This variant is not present in population databases (ExAC no frequency). This variant has not been reported in the literature in individuals with GALE-related conditions. Algorithms developed to predict the effect of missense changes on protein structure and function (SIFT, PolyPhen-2, Align-GVGD) all suggest that this variant is likely to be disruptive, but these predictions have not been confirmed by published functional studies and their clinical significance is uncertain.

NM_001008216.2(GALE):c.713T>C (p.Val238Ala)

Gene: GALE (UDP-galactose-4-epimerase; minus strand). Cytogenetic location: 1p36.11.
Variant type: single nucleotide variant.
Coding change: c.713T>C on transcript NM_001008216.2 (MANE Select); coding-DNA position 713, T replaced by C.
Protein change: p.Val238Ala; replaces valine 238 with alanine.
Molecular consequence: missense variant.
Genome position (GRCh38, 1-based): chr1:23,796,779, A>G on the plus strand (T>C on the coding strand, the complement: GALE is on the minus strand). VCF-style: chr1-23796779-A-G. GRCh37 (hg19) VCF-style: chr1-24123269-A-G.
Other names: c.713T>C, p.Val238Ala (NM_000403.4, NM_001127621.2); short protein forms V238A.
Identifiers: ClinVar variation 962791 (VCV000962791.10), dbSNP rs1348284514, ClinGen allele CA339008221.
Genomic context (GRCh38, chr1:23,796,779, plus strand): 5'-AGCTTCCTTAAGGCTGCAATGTGGCCCTTGGCCAGATCCACGACATGGATGTAATCCCGG[A>G]CACCTGCAGAGAAGGGAGTGTGTTGGATGGGGAGTCTGTTCCCCCTGACTCTCCTTCCTG-3'
Protein context (NP_001008217.1, residues 228-248): NDYDTEDGTG[Val238Ala]RDYIHVVDLA